The following is an entry in ClinVar:

NM_004655.4(AXIN2):c.901G>A (p.Glu301Lys)

Gene: AXIN2 (axin 2; minus strand). Cytogenetic location: 17q24.1.
Variant type: single nucleotide variant.
Coding change: c.901G>A on transcript NM_004655.4 (MANE Select); coding-DNA position 901, G replaced by A.
Protein change: p.Glu301Lys; replaces glutamic acid 301 with lysine.
Molecular consequence: missense variant.
Genome position (GRCh38, 1-based): chr17:65,549,575, C>T on the plus strand (G>A on the coding strand, the complement: AXIN2 is on the minus strand). VCF-style: chr17-65549575-C-T. GRCh37 (hg19) VCF-style: chr17-63545693-C-T.
Other names: c.901G>A, p.Glu301Lys (NM_001363813.1); short protein forms E301K.
Identifiers: ClinVar variation 1020997 (VCV001020997.8), dbSNP rs2044163204, ClinGen allele CA400679535.

ClinVar aggregate classification (germline): Uncertain significance (1 of 4 stars; one submission).

Conditions:
Oligodontia-cancer predisposition syndrome. Also called: TOOTH AGENESIS-COLORECTAL CANCER SYNDROME. Identifiers: Orphanet 300576, MedGen C1837750, MONDO:0012075, OMIM 608615. Disease mechanism: loss of function.

Submission:

Labcorp Genetics (formerly Invitae), Labcorp
Classification: Uncertain significance for Oligodontia-cancer predisposition syndrome. Last evaluated: 2020-09-21. Review status: criteria provided, single submitter. Criteria: Invitae Variant Classification Sherloc (09022015). Collection method: clinical testing. Allele origin: germline.
Comment: In summary, the available evidence is currently insufficient to determine the role of this variant in disease. Therefore, it has been classified as a Variant of Uncertain Significance. Algorithms developed to predict the effect of missense changes on protein structure and function are either unavailable or do not agree on the potential impact of this missense change (SIFT: "Tolerated"; PolyPhen-2: "Probably Damaging"; Align-GVGD: "Class C0"). This variant has not been reported in the literature in individuals with AXIN2-related conditions. This variant is not present in population databases (ExAC no frequency). This sequence change replaces glutamic acid with lysine at codon 301 of the AXIN2 protein (p.Glu301Lys). The glutamic acid residue is highly conserved and there is a small physicochemical difference between glutamic acid and lysine.